The following is an entry in ClinVar:

NM_000112.4(SLC26A2):c.767T>C (p.Phe256Ser)

Gene: SLC26A2 (solute carrier family 26 member 2; plus strand). Cytogenetic location: 5q32.
Variant type: single nucleotide variant.
Coding change: c.767T>C on transcript NM_000112.4 (MANE Select); coding-DNA position 767, T replaced by C.
Protein change: p.Phe256Ser; replaces phenylalanine 256 with serine.
Molecular consequence: missense variant.
Genome position (GRCh38, 1-based): chr5:149,980,360, T>C. VCF-style: chr5-149980360-T-C. GRCh37 (hg19) VCF-style: chr5-149359923-T-C.
Other names: short protein forms F256S.
Identifiers: ClinVar variation 552411 (VCV000552411.7), dbSNP rs1419613966, ClinGen allele CA361706227.

ClinVar aggregate classification (germline): Conflicting classifications of pathogenicity. Review status: criteria provided, conflicting classifications (1 of 4 stars). 4 submissions from 4 submitters: Likely pathogenic (1); Uncertain significance (2). 1 of the submissions does not count toward it. Last evaluated 2024-05-14.

Conditions:
Achondrogenesis, type IB (ACG1B). Also called: Achondrogenesis Type 1B. Identifiers: Orphanet 932, Orphanet 93298, MedGen C0265274, MONDO:0010966, OMIM 600972.
Multiple epiphyseal dysplasia type 4 (EDM4). Also called: MULTIPLE EPIPHYSEAL DYSPLASIA WITH BILAYERED PATELLAE; MULTIPLE EPIPHYSEAL DYSPLASIA WITH CLUBFOOT; MULTIPLE EPIPHYSEAL DYSPLASIA, AUTOSOMAL RECESSIVE; SLC26A2-Related Multiple Epiphyseal Dysplasia; Multiple Epiphyseal Dysplasia, Recessive. Identifiers: Orphanet 93307, MedGen C1847593, MONDO:0009189, OMIM 226900.
Atelosteogenesis type II (AO2). Also called: SLC26A2-Related Atelosteogenesis; NEONATAL OSSEOUS DYSPLASIA I; Neonatal osseous dysplasia 1. Identifiers: Orphanet 56304, MedGen C1850554, MONDO:0009727, OMIM 256050.
Diastrophic dysplasia (DTD). Also called: Diastrophic dwarfism. Identifiers: Orphanet 628, MedGen C0220726, MONDO:0009107, OMIM 222600.

Allele frequency attached by ClinVar (database versions not stated): gnomAD exomes below 0.00001; gnomAD 0.00001.

Submissions (4):

Women's Health and Genetics/Laboratory Corporation of America, LabCorp
Classification: Uncertain significance. Last evaluated: 2024-05-14. Review status: criteria provided, single submitter. Criteria: LabCorp Variant Classification Summary - May 2015. Collection method: clinical testing. Allele origin: germline.
Comment: Variant summary: SLC26A2 c.767T>C (p.Phe256Ser) results in a non-conservative amino acid change located in the SLC26A/SulP transporter domain (IPR011547) of the encoded protein sequence. Five of five in-silico tools predict a damaging effect of the variant on protein function. The variant allele was found at a frequency of 4e-06 in 251356 control chromosomes. The available data on variant occurrences in the general population are insufficient to allow any conclusion about variant significance. c.767T>C has been reported in the literature in at least one compound heterozygous individual affected with multiple epiphyseal dysplasia. These data do not provide sufficient evidence to allow any conclusion about variant significance. To our knowledge, no experimental evidence demonstrating an impact on protein function has been reported. ClinVar contains an entry for this variant (Variation ID: 552411). Based on the evidence outlined above, the variant was classified as uncertain significance.

Baylor Genetics
Classification: Likely pathogenic for Achondrogenesis, type IB. Last evaluated: 2024-02-22. Review status: criteria provided, single submitter. Criteria: ACMG Guidelines, 2015. Collection method: clinical testing. Allele origin: unknown.

Labcorp Genetics (formerly Invitae), Labcorp
Classification: Uncertain significance for Atelosteogenesis type II; Multiple epiphyseal dysplasia type 4; Achondrogenesis, type IB; Diastrophic dysplasia. Last evaluated: 2022-01-06. Review status: criteria provided, single submitter. Criteria: Invitae Variant Classification Sherloc (09022015). Collection method: clinical testing. Allele origin: germline.
Comment: This sequence change replaces phenylalanine, which is neutral and non-polar, with serine, which is neutral and polar, at codon 256 of the SLC26A2 protein (p.Phe256Ser). This variant is present in population databases (no rsID available, gnomAD 0.002%). This missense change has been observed in individual(s) with autosomal recessive multiple epiphyseal dysplasia (PMID: 21922596). ClinVar contains an entry for this variant (Variation ID: 552411). Advanced modeling of protein sequence and biophysical properties (such as structural, functional, and spatial information, amino acid conservation, physicochemical variation, residue mobility, and thermodynamic stability) performed at Invitae indicates that this missense variant is expected to disrupt SLC26A2 protein function. In summary, the available evidence is currently insufficient to determine the role of this variant in disease. Therefore, it has been classified as a Variant of Uncertain Significance.

Counsyl
Classification: Uncertain significance for Multiple epiphyseal dysplasia type 4. Last evaluated: 2017-06-09. Review status: no assertion criteria provided. Collection method: clinical testing. Allele origin: unknown. Not counted in ClinVar's aggregate classification.

Literature cited by the submitters: PubMed 21922596 (cited by 3 submitters).